The following is an entry in ClinVar:

ClinVar aggregate classification (germline): Benign (1 of 4 stars; one submission).

Conditions:
Leigh syndrome (NULS). Also called: Leigh's necrotizing encephalopathy; Leigh's disease; Leigh Syndrome (mtDNA deletion); Leigh Disease; Subacute necrotizing encephalopathy; Necrotizing encephalopathy infantile subacute of Leigh. Identifiers: Orphanet 506, MedGen C2931891, MONDO:0009723, OMIM 256000.

Submission:

Wong Mito Lab, Molecular and Human Genetics, Baylor College of Medicine
Classification: Benign for Leigh syndrome. Last evaluated: 2019-10-17. Review status: criteria provided, single submitter. Criteria: Modified ACMG Guidelines (Unpublished). Collection method: clinical testing. Allele origin: germline.
Comment: The NC_012920.1:m.8548T>C (YP_003024031.1:p.Ser8Pro) variant in MTATP6 gene is interpretated to be a Benign variant based on the modified ACMG guidelines (unpublished). This variant meets the following evidence codes: BS1, BS2, BP4

NC_012920.1(MT-ATP8):m.8548T>C

Genes: MT-ATP8 (mitochondrially encoded ATP synthase 8; plus strand), MT-ATP6 (mitochondrially encoded ATP synthase 6; plus strand).
Variant type: single nucleotide variant.
Genome position: chrM-8548-T-C.
Identifiers: ClinVar variation 692895 (VCV000692895.1), dbSNP rs1603221580, ClinGen allele CA414796626.